The following is an entry in ClinVar:

ClinVar aggregate classification (germline): Uncertain significance (1 of 4 stars; one submission).

Allele frequency attached by ClinVar (database versions not stated): gnomAD exomes below 0.00001.
gnomAD v4.1: 2 of 1,550,534 alleles (0.00013%); highest among the groups gnomAD compares: Non-Finnish European, 0.00017%; no homozygotes.

Submission:

Labcorp Genetics (formerly Invitae), Labcorp
Classification: Uncertain significance. Last evaluated: 2023-07-09. Review status: criteria provided, single submitter. Criteria: Invitae Variant Classification Sherloc (09022015). Collection method: clinical testing. Allele origin: germline.
Comment: This sequence change replaces valine, which is neutral and non-polar, with alanine, which is neutral and non-polar, at codon 1003 of the ADAMTS17 protein (p.Val1003Ala). This variant is not present in population databases (gnomAD no frequency). In summary, the available evidence is currently insufficient to determine the role of this variant in disease. Therefore, it has been classified as a Variant of Uncertain Significance. An algorithm developed to predict the effect of missense changes on protein structure and function (PolyPhen-2) suggests that this variant is likely to be tolerated. This variant has not been reported in the literature in individuals affected with ADAMTS17-related conditions.

NM_139057.4(ADAMTS17):c.3008T>C (p.Val1003Ala)

Gene: ADAMTS17 (ADAM metallopeptidase with thrombospondin type 1 motif 17; minus strand). Cytogenetic location: 15q26.3.
Variant type: single nucleotide variant.
Coding change: c.3008T>C on transcript NM_139057.4 (MANE Select); coding-DNA position 3008, T replaced by C.
Protein change: p.Val1003Ala; replaces valine 1003 with alanine.
Molecular consequence: missense variant.
Genome position (GRCh38, 1-based): chr15:99,976,164, A>G on the plus strand (T>C on the coding strand, the complement: ADAMTS17 is on the minus strand). VCF-style: chr15-99976164-A-G. GRCh37 (hg19) VCF-style: chr15-100516369-A-G.
Other names: short protein forms V1003A.
Identifiers: ClinVar variation 2739758 (VCV002739758.3), dbSNP rs2547951491, ClinGen allele CA393692782.
Genomic context (GRCh38, chr15:99,976,164, plus strand): 5'-CACTGTCTGTAGGGGGCAGGCTTCGAGAGGGCGGGGCACTCGCTGCCGTGGCGCCCTGTG[A>G]CCTTGTGCATGCACTGCACCACCCGGGACTGCAGGCCCTTCCCGCAGGTCGACGAGCACT-3'
Protein context (NP_620688.2, residues 993-1013): QSRVVQCMHK[Val1003Ala]TGRHGSECPA